The following is an entry in ClinVar:

NM_001199753.2(CPT1C):c.2019+1G>C

Gene: CPT1C (carnitine palmitoyltransferase 1C; plus strand). Cytogenetic location: 19q13.33.
Variant type: single nucleotide variant.
Coding change: c.2019+1G>C on transcript NM_001199753.2 (MANE Select); the canonical splice donor site of the intron after coding-DNA position 2019, G replaced by C.
Molecular consequence: splice donor variant.
Genome position (GRCh38, 1-based): chr19:49,711,962, G>C. VCF-style: chr19-49711962-G-C. GRCh37 (hg19) VCF-style: chr19-50215219-G-C.
Other names: c.1986+1G>C (NM_001378485.1, NM_001136052.3); c.2019+1G>C (NM_001378483.1, NM_001199752.3, NM_152359.3 and 1 more transcripts); c.1884+1G>C (NM_001378486.1, NM_001378488.1); c.2085+1G>C (NM_001378482.1); c.1851+1G>C (NM_001378487.1).
Identifiers: ClinVar variation 2032169 (VCV002032169.4), dbSNP rs1186386364, ClinGen allele CA406909186.

ClinVar aggregate classification (germline): Likely pathogenic (1 of 4 stars; one submission).

Conditions:
Hereditary spastic paraplegia 73. Also called: Spastic paraplegia 73, autosomal dominant. Identifiers: Orphanet 444099, MedGen C5568981, MONDO:0014568, OMIM 616282.

Submission:

Labcorp Genetics (formerly Invitae), Labcorp
Classification: Likely pathogenic for Hereditary spastic paraplegia 73. Last evaluated: 2022-09-23. Review status: criteria provided, single submitter. Criteria: Invitae Variant Classification Sherloc (09022015). Collection method: clinical testing. Allele origin: germline.
Comment: This sequence change affects a donor splice site in intron 17 of the CPT1C gene. It is expected to disrupt RNA splicing. Variants that disrupt the donor or acceptor splice site typically lead to a loss of protein function (PMID: 16199547), and loss-of-function variants in CPT1C are known to be pathogenic (PMID: 30564185, 30911584). This variant is not present in population databases (gnomAD no frequency). This variant has not been reported in the literature in individuals affected with CPT1C-related conditions. In summary, the currently available evidence indicates that the variant is pathogenic, but additional data are needed to prove that conclusively. Therefore, this variant has been classified as Likely Pathogenic. Algorithms developed to predict the effect of sequence changes on RNA splicing suggest that this variant may disrupt the consensus splice site.

Literature cited by the submitters: PubMed 16199547; PubMed 30564185; PubMed 30911584.